The following is an entry in ClinVar:

ClinVar aggregate classification (germline): Uncertain significance (1 of 4 stars; one submission).

Conditions:
Werner syndrome (WRN). Identifiers: Orphanet 902, MedGen C0043119, MONDO:0010196, OMIM 277700.

Allele frequency attached by ClinVar (database versions not stated): gnomAD 0.00001; TOPMed 0.00001.
gnomAD v4.1: 2 of 1,613,466 alleles (0.00012%); highest among the groups gnomAD compares: African/African-American, 0.0013%; no homozygotes.

Submission:

Labcorp Genetics (formerly Invitae), Labcorp
Classification: Uncertain significance for Werner syndrome. Last evaluated: 2022-10-17. Review status: criteria provided, single submitter. Criteria: Invitae Variant Classification Sherloc (09022015). Collection method: clinical testing. Allele origin: germline.
Comment: This sequence change replaces alanine, which is neutral and non-polar, with glycine, which is neutral and non-polar, at codon 132 of the WRN protein (p.Ala132Gly). This variant is not present in population databases (gnomAD no frequency). This variant has not been reported in the literature in individuals affected with WRN-related conditions. ClinVar contains an entry for this variant (Variation ID: 1408833). Algorithms developed to predict the effect of missense changes on protein structure and function are either unavailable or do not agree on the potential impact of this missense change (SIFT: "Not Available"; PolyPhen-2: "Possibly Damaging"; Align-GVGD: "Not Available"). In summary, the available evidence is currently insufficient to determine the role of this variant in disease. Therefore, it has been classified as a Variant of Uncertain Significance.

NM_000553.6(WRN):c.395C>G (p.Ala132Gly)

Gene: WRN (WRN RecQ like helicase; plus strand). Cytogenetic location: 8p12.
Variant type: single nucleotide variant.
Coding change: c.395C>G on transcript NM_000553.6 (MANE Select); coding-DNA position 395, C replaced by G.
Protein change: p.Ala132Gly; replaces alanine 132 with glycine.
Molecular consequence: missense variant.
Genome position (GRCh38, 1-based): chr8:31,064,954, C>G. VCF-style: chr8-31064954-C-G. GRCh37 (hg19) VCF-style: chr8-30922470-C-G.
Other names: short protein forms A132G.
Identifiers: ClinVar variation 1408833 (VCV001408833.5), dbSNP rs867641943, ClinGen allele CA174842977.